The following is an entry in ClinVar:

NM_152419.3(HGSNAT):c.199_200insCAT (p.Asn66_Leu67insSer)

Gene: HGSNAT (heparan-alpha-glucosaminide N-acetyltransferase; plus strand). Cytogenetic location: 8p11.21.
Variant type: Insertion.
Coding change: c.199_200insCAT on transcript NM_152419.3 (MANE Select); coding-DNA positions 199 to 200, CAT inserted.
Protein change: p.Asn66_Leu67insSer.
Molecular consequence: inframe insertion. On other transcripts: 5 prime UTR variant (1).
Genome position: GRCh38 VCF-style: chr8-43147027-C-CTCA. GRCh37 (hg19) VCF-style: chr8-43002170-C-CTCA.
Other names: c.199_200insCAT, p.Asn66_Leu67insSer (NM_001363227.2, NM_001363228.2); c.-635_-634insCAT (NM_001363229.2).
Identifiers: ClinVar variation 555958 (VCV000555958.4), dbSNP rs1409093216, ClinGen allele CA581633618.

ClinVar aggregate classification (germline): Uncertain significance. Review status: criteria provided, single submitter (1 of 4 stars). 2 submissions from 2 submitters: Uncertain significance (1). 1 of the submissions does not count toward it. Last evaluated 2022-03-10.

Conditions:
Mucopolysaccharidosis, MPS-III-C (MPS3C). Also called: MPS IIIC (Sanfilippo Syndrome Type C); MPS III C; MUCOPOLYSACCHARIDOSIS, TYPE IIIC; SANFILIPPO SYNDROME C; Mucopolysaccharidosis type IIIC (Sanfilippo C); mucopolysaccharidosis type 3C. Identifiers: Orphanet 581, Orphanet 79271, MedGen C0086649, MONDO:0009657, OMIM 252930.
Retinitis pigmentosa 73 (RP73). Identifiers: Orphanet 791, MedGen C4225287, MONDO:0014687, OMIM 616544.

Submissions (2):

Labcorp Genetics (formerly Invitae), Labcorp
Classification: Uncertain significance for Retinitis pigmentosa 73; Mucopolysaccharidosis, MPS-III-C. Last evaluated: 2022-03-10. Review status: criteria provided, single submitter. Criteria: Invitae Variant Classification Sherloc (09022015). Collection method: clinical testing. Allele origin: germline.
Comment: This variant, c.199_200insCAT, results in the insertion of 1 amino acid(s) of the HGSNAT protein (p.Asn66_Leu67insSer), but otherwise preserves the integrity of the reading frame. This variant is present in population databases (no rsID available, gnomAD 0.007%). This variant has not been reported in the literature in individuals affected with HGSNAT-related conditions. ClinVar contains an entry for this variant (Variation ID: 555958). Experimental studies and prediction algorithms are not available or were not evaluated, and the functional significance of this variant is currently unknown. In summary, the available evidence is currently insufficient to determine the role of this variant in disease. Therefore, it has been classified as a Variant of Uncertain Significance.

Counsyl
Classification: Uncertain significance for Mucopolysaccharidosis, MPS-III-C. Last evaluated: 2018-01-04. Review status: no assertion criteria provided. Collection method: clinical testing. Allele origin: unknown. Not counted in ClinVar's aggregate classification.